The following is an entry in ClinVar:

NM_005121.3(MED13):c.4577T>C (p.Val1526Ala)

Gene: MED13 (mediator complex subunit 13; minus strand). Cytogenetic location: 17q23.2.
Variant type: single nucleotide variant.
Coding change: c.4577T>C on transcript NM_005121.3 (MANE Select); coding-DNA position 4577, T replaced by C.
Protein change: p.Val1526Ala; replaces valine 1526 with alanine.
Molecular consequence: missense variant.
Genome position (GRCh38, 1-based): chr17:61,965,273, A>G on the plus strand (T>C on the coding strand, the complement: MED13 is on the minus strand). VCF-style: chr17-61965273-A-G. GRCh37 (hg19) VCF-style: chr17-60042634-A-G.
Other names: short protein forms V1526A.
Identifiers: ClinVar variation 3239372 (VCV003239372.19), dbSNP rs2509242867.

ClinVar aggregate classification (germline): Uncertain significance (1 of 4 stars; one submission).

Submission:

CeGaT Center for Human Genetics Tuebingen
Classification: Uncertain significance. Last evaluated: 2024-05-01. Review status: criteria provided, single submitter. Criteria: CeGaT Center For Human Genetics Tuebingen Variant Classification Criteria Version 2. Collection method: clinical testing. Allele origin: germline. Affected: yes. Observed: 1 variant allele.
Comment: MED13: PM2, BP4